The following is an entry in ClinVar:

NM_024809.5(TCTN2):c.1888_1889del (p.Leu630fs)

Gene: TCTN2 (tectonic family member 2; plus strand). Cytogenetic location: 12q24.31.
Variant type: Deletion.
Coding change: c.1888_1889del on transcript NM_024809.5 (MANE Select); coding-DNA positions 1888 to 1889, 2 bases deleted (CT; older notation c.1888_1889delCT).
Protein change: p.Leu630fs; shifts the reading frame from leucine 630.
Molecular consequence: frameshift variant.
Genome position (GRCh38, 1-based): chr12:123,706,844-123,706,845, CT deleted. VCF-style (leftmost placement, unchanged base first): chr12-123706843-CCT-C. GRCh37 (hg19) VCF-style: chr12-124191390-CCT-C.
Other names: c.1885_1886del, p.Leu629fs (NM_001143850.3); short protein forms L630fs, L629fs.
Identifiers: ClinVar variation 1381521 (VCV001381521.8), dbSNP rs1408997904, ClinGen allele CA608507456.

ClinVar aggregate classification (germline): Pathogenic/Likely pathogenic. Review status: criteria provided, multiple submitters, no conflicts (2 of 4 stars). 3 submissions from 3 submitters: Pathogenic (1); Likely pathogenic (2). Last evaluated 2024-04-05.

Conditions:
TCTN2-related disorder. Also called: TCTN2-related disorders; TCTN2-related condition. Identifiers: MedGen CN239412.
Meckel syndrome, type 8. Identifiers: Orphanet 564, MedGen C3836857, MONDO:0013482, OMIM 613885.
Joubert syndrome 24 (JBTS24). Identifiers: Orphanet 475, MedGen C4084841, MONDO:0014724, OMIM 616654.
Joubert syndrome. Also called: Familial aplasia of the vermis; JOUBERT-BOLTSHAUSER SYNDROME. Identifiers: Orphanet 475, MedGen C5979921, MONDO:0018772.
Meckel-Gruber syndrome. Also called: DYSENCEPHALIA SPLANCHNOCYSTICA; Dysencephalia splachnocystica; GRUBER SYNDROME. Identifiers: Orphanet 564, MedGen C0265215, MONDO:0018921.

Allele frequency attached by ClinVar (database versions not stated): gnomAD exomes below 0.00001; TOPMed below 0.00001; gnomAD 0.00001.

Submissions (3):

Fulgent Genetics
Classification: Likely pathogenic for Meckel syndrome, type 8; Joubert syndrome 24. Last evaluated: 2024-04-05. Review status: criteria provided, single submitter. Criteria: ACMG Guidelines, 2015. Collection method: clinical testing. Allele origin: germline.

Labcorp Genetics (formerly Invitae), Labcorp
Classification: Pathogenic for Joubert syndrome; Meckel-Gruber syndrome. Last evaluated: 2022-12-12. Review status: criteria provided, single submitter. Criteria: Invitae Variant Classification Sherloc (09022015). Collection method: clinical testing. Allele origin: germline.
Comment: This variant has not been reported in the literature in individuals affected with TCTN2-related conditions. ClinVar contains an entry for this variant (Variation ID: 1381521). For these reasons, this variant has been classified as Pathogenic. This sequence change creates a premature translational stop signal (p.Leu630Aspfs*11) in the TCTN2 gene. It is expected to result in an absent or disrupted protein product. Loss-of-function variants in TCTN2 are known to be pathogenic (PMID: 21565611). This variant is present in population databases (no rsID available, gnomAD 0.007%).

Blueprint Genetics
Classification: Likely pathogenic for TCTN2-related disorders. Last evaluated: 2021-09-01. Review status: criteria provided, single submitter. Criteria: ACMG Guidelines, 2015. Collection method: clinical testing. Allele origin: germline. Affected: yes. Observed: 1 variant allele.

Literature cited by the submitters: PubMed 21565611 (cited by Labcorp Genetics (formerly Invitae), Labcorp).